The following is an entry in ClinVar:

NM_001384474.1(LOXHD1):c.4282C>T (p.Arg1428Ter)

Gene: LOXHD1 (lipoxygenase homology PLAT domains 1; minus strand). Cytogenetic location: 18q21.1.
Variant type: single nucleotide variant.
Coding change: c.4282C>T on transcript NM_001384474.1 (MANE Select); coding-DNA position 4282, C replaced by T.
Protein change: p.Arg1428Ter; replaces arginine 1428 with a stop codon.
Molecular consequence: nonsense.
Genome position (GRCh38, 1-based): chr18:46,533,255, G>A on the plus strand (C>T on the coding strand, the complement: LOXHD1 is on the minus strand). VCF-style: chr18-46533255-G-A. GRCh37 (hg19) VCF-style: chr18-44113218-G-A.
Other names: c.949C>T, p.Arg317Ter (NM_001145472.3); c.661C>T, p.Arg221Ter (NM_001308013.2); c.4282C>T, p.Arg1428Ter (NM_144612.7); short protein forms R221*, R317*, R1428*.
Identifiers: ClinVar variation 648364 (VCV000648364.11), dbSNP rs932266011, ClinGen allele CA299803729.
Genomic context (GRCh38, chr18:46,533,255, plus strand): 5'-GCCGTAAGGACCCATCTTTCATGTATTTCTCAGTGAAGATGTCATATGGAACCAGTTCTC[G>A]AATGGTCTTTTTGTCATCCTCAGAGGTGGCAAGCCACCGATCGCATGGGAAAGTCAAGGT-3'

ClinVar aggregate classification (germline): Conflicting classifications of pathogenicity. Review status: criteria provided, conflicting classifications (1 of 4 stars). 4 submissions from 4 submitters: Pathogenic (2); Likely pathogenic (1); Uncertain significance (1). Last evaluated 2025-05-05.

Conditions:
Autosomal recessive nonsyndromic hearing loss 77. Identifiers: Orphanet 90636, MedGen C2746083, MONDO:0013119, OMIM 613079.

Allele frequency attached by ClinVar (database versions not stated): gnomAD 0.00001; gnomAD exomes 0.00001; TOPMed 0.00001.
gnomAD v4.1: 11 of 1,551,628 alleles (0.00071%); highest among the groups gnomAD compares: African/African-American, 0.0027%; no homozygotes.

Submissions (4):

Natera, Inc.
Classification: Likely pathogenic for Autosomal recessive deafness type 77. Last evaluated: 2025-05-05. Review status: criteria provided, single submitter. Criteria: Natera Variant Classification Schema (03/2026). Collection method: clinical testing. Allele origin: germline.
Comment: The c.4282C>T variant in LOXHD1 is a nonsense variant predicted to introduce a stop codon at amino acid 1428. This variant is expected to result in nonsense mediated decay, truncation, or a dysfunctional protein product. This variant is rare in the general population with a frequency below the threshold expected for the associated phenotype(s). Given the available evidence, this variant is classified as Likely Pathogenic.

Fulgent Genetics
Classification: Pathogenic for Autosomal recessive nonsyndromic hearing loss 77. Last evaluated: 2024-05-31. Review status: criteria provided, single submitter. Criteria: ACMG Guidelines, 2015. Collection method: clinical testing. Allele origin: germline.

GeneDx
Classification: Uncertain significance. Last evaluated: 2024-02-28. Review status: criteria provided, single submitter. Criteria: GeneDx Variant Classification Process June 2021. Collection method: clinical testing. Allele origin: germline. Affected: yes.
Comment: Identified with a second variant in the LOXHD1 gene in a patient with hearing loss in the published literature; however, segregation information was not provided (PMID: 36597107); Nonsense variant predicted to result in protein truncation or nonsense mediated decay in a gene for which loss of function is a known mechanism of disease; This variant is associated with the following publications: (PMID: 36597107)

Labcorp Genetics (formerly Invitae), Labcorp
Classification: Pathogenic. Last evaluated: 2023-10-29. Review status: criteria provided, single submitter. Criteria: Invitae Variant Classification Sherloc (09022015). Collection method: clinical testing. Allele origin: germline.
Comment: This sequence change creates a premature translational stop signal (p.Arg1428*) in the LOXHD1 gene. It is expected to result in an absent or disrupted protein product. Loss-of-function variants in LOXHD1 are known to be pathogenic (PMID: 19732867, 21465660, 25792669). This variant is present in population databases (no rsID available, gnomAD 0.01%). This variant has not been reported in the literature in individuals affected with LOXHD1-related conditions. ClinVar contains an entry for this variant (Variation ID: 648364). For these reasons, this variant has been classified as Pathogenic.

Literature cited by the submitters: PubMed 19732867 (cited by Labcorp Genetics (formerly Invitae), Labcorp); PubMed 21465660 (cited by Labcorp Genetics (formerly Invitae), Labcorp); PubMed 25792669 (cited by Labcorp Genetics (formerly Invitae), Labcorp).